The following is an entry in ClinVar:

ClinVar aggregate classification (germline): Likely benign. Review status: criteria provided, multiple submitters, no conflicts (2 of 4 stars). 3 submissions from 3 submitters: Likely benign (2). 1 of the submissions does not count toward it. Last evaluated 2025-12-21.

Conditions:
TH-related disorder. Also called: TH-related condition.
TH-deficient dopa-responsive dystonia. Also called: Tyrosine Hydroxylase-Deficient Dopa-Responsive Dystonia; DYT-TH; Segawa syndrome, autosomal recessive. Identifiers: Orphanet 101150, MedGen C2673535, MONDO:0011551, OMIM 605407.

Allele frequency attached by ClinVar (database versions not stated): ExAC 0.00001; TOPMed 0.00036; gnomAD exomes 0.00001; gnomAD 0.00013 and 0.00014.
gnomAD v4.1: 42 of 1,611,822 alleles (0.0026%); highest among the groups gnomAD compares: Admixed American, 0.055%; no homozygotes.

Submissions (3):

Labcorp Genetics (formerly Invitae), Labcorp
Classification: Likely benign for TH-deficient dopa-responsive dystonia. Last evaluated: 2025-12-21. Review status: criteria provided, single submitter. Criteria: Invitae Variant Classification Sherloc (09022015). Collection method: clinical testing. Allele origin: germline.

Breakthrough Genomics
Classification: Likely benign. Review status: criteria provided, single submitter. Criteria: ACMG Guidelines, 2015. Collection method: not provided. Allele origin: germline. Inheritance: Autosomal recessive inheritance. Affected: yes.

PreventionGenetics, part of Exact Sciences
Classification: Likely benign for TH-related condition. Last evaluated: 2019-10-28. Review status: no assertion criteria provided. Collection method: clinical testing. Allele origin: germline. Not counted in ClinVar's aggregate classification.
Comment: This variant is classified as likely benign based on ACMG/AMP sequence variant interpretation guidelines (Richards et al. 2015 PMID: 25741868, with internal and published modifications).

NM_000360.4(TH):c.372G>A (p.Gly124=)

Gene: TH (tyrosine hydroxylase; minus strand). Cytogenetic location: 11p15.5.
Variant type: single nucleotide variant.
Coding change: c.372G>A on transcript NM_000360.4 (MANE Select); coding-DNA position 372, G replaced by A.
Protein change: p.Gly124=; no amino-acid change (glycine 124 retained).
Molecular consequence: synonymous variant.
Genome position (GRCh38, 1-based): chr11:2,168,606, C>T on the plus strand (G>A on the coding strand, the complement: TH is on the minus strand). VCF-style: chr11-2168606-C-T. GRCh37 (hg19) VCF-style: chr11-2189836-C-T.
Other names: c.465G>A, p.Gly155= (NM_199292.3); c.453G>A, p.Gly151= (NM_199293.3).
Identifiers: ClinVar variation 698834 (VCV000698834.13), dbSNP rs773806238, ClinGen allele CA5818691.